The following is an entry in ClinVar:

ClinVar aggregate classification (germline): Likely pathogenic (1 of 4 stars; one submission).

Conditions:
Intellectual disability, X-linked 102 (MRXSSB). Also called: Intellectual developmental disorder, X-linked syndromic, Snijders Blok type. Identifiers: Orphanet 457260, MedGen C5393299, MONDO:0010497, OMIM 300958.

Submission:

Daryl Scott Lab, Baylor College of Medicine
Classification: Likely pathogenic for Intellectual disability, X-linked 102. Last evaluated: 2024-04-01. Review status: criteria provided, single submitter. Criteria: ACMG Guidelines, 2015. Collection method: research. Allele origin: de novo. Observed: 1 heterozygote.
Comment: PS2, PM2, PP3

NM_001356.5(DDX3X):c.1526A>T (p.Asn509Ile)

Gene: DDX3X (DEAD-box helicase 3 X-linked; plus strand). Cytogenetic location: Xp11.4.
Variant type: single nucleotide variant.
Coding change: c.1526A>T on transcript NM_001356.5 (MANE Select); coding-DNA position 1526, A replaced by T.
Protein change: p.Asn509Ile; replaces asparagine 509 with isoleucine.
Molecular consequence: missense variant. On other transcripts: non-coding transcript variant (1).
Genome position (GRCh38, 1-based): chrX:41,346,533, A>T. VCF-style: chrX-41346533-A-T. GRCh37 (hg19) VCF-style: chrX-41205786-A-T.
Other names: c.1526A>T, p.Asn509Ile (NM_001193416.3); c.1478A>T, p.Asn493Ile (NM_001193417.3); c.968A>T, p.Asn323Ile (NM_001363819.1); short protein forms N323I, N493I, N509I.
Identifiers: ClinVar variation 3778784 (VCV003778784.1).